The following is an entry in ClinVar:

ClinVar aggregate classification (germline): Uncertain significance (1 of 4 stars; one submission).

gnomAD v4.1: 10 of 1,613,636 alleles (0.00062%); highest among the groups gnomAD compares: Admixed American, 0.017%; no homozygotes.

Submission:

Labcorp Genetics (formerly Invitae), Labcorp
Classification: Uncertain significance. Last evaluated: 2025-03-17. Review status: criteria provided, single submitter. Criteria: Invitae Variant Classification Sherloc (09022015). Collection method: clinical testing. Allele origin: germline.
Comment: This sequence change replaces alanine, which is neutral and non-polar, with threonine, which is neutral and polar, at codon 352 of the SLC12A2 protein (p.Ala352Thr). This variant is present in population databases (rs755219397, gnomAD 0.03%). This variant has not been reported in the literature in individuals affected with SLC12A2-related conditions. Invitae Evidence Modeling of protein sequence and biophysical properties (such as structural, functional, and spatial information, amino acid conservation, physicochemical variation, residue mobility, and thermodynamic stability) indicates that this missense variant is not expected to disrupt SLC12A2 protein function with a negative predictive value of 80%. In summary, the available evidence is currently insufficient to determine the role of this variant in disease. Therefore, it has been classified as a Variant of Uncertain Significance.

NM_001046.3(SLC12A2):c.1054G>A (p.Ala352Thr)

Gene: SLC12A2 (solute carrier family 12 member 2; plus strand). Cytogenetic location: 5q23.3.
Variant type: single nucleotide variant.
Coding change: c.1054G>A on transcript NM_001046.3 (MANE Select); coding-DNA position 1054, G replaced by A.
Protein change: p.Ala352Thr; replaces alanine 352 with threonine.
Molecular consequence: missense variant. On other transcripts: non-coding transcript variant (1).
Genome position (GRCh38, 1-based): chr5:128,131,072, G>A. VCF-style: chr5-128131072-G-A. GRCh37 (hg19) VCF-style: chr5-127466764-G-A.
Other names: c.1054G>A, p.Ala352Thr (NM_001256461.2); short protein forms A352T.
Identifiers: ClinVar variation 4743737 (VCV004743737.1).